The following is an entry in ClinVar:

ClinVar aggregate classification (germline): Uncertain significance. Review status: criteria provided, multiple submitters, no conflicts (2 of 4 stars). 4 submissions from 4 submitters: Uncertain significance (3). 1 of the submissions does not count toward it. Last evaluated 2025-08-10.

Conditions:
Inborn genetic diseases. Identifiers: MedGen C0950123, MeSH D030342.
Bartter disease type 4A. Also called: BARTTER SYNDROME, NEONATAL, WITH SENSORINEURAL DEAFNESS; BARTTER SYNDROME, TYPE 4A, NEONATAL, WITH SENSORINEURAL DEAFNESS. Identifiers: Orphanet 112, MedGen C1865270, MONDO:0011242, OMIM 602522.

Allele frequency attached by ClinVar (database versions not stated): TOPMed 0.00002; gnomAD 0.00003; ESP Exome Variant Server 0.00015.
gnomAD v4.1: 15 of 1,614,002 alleles (0.00093%); highest among the groups gnomAD compares: African/African-American, 0.0067%; no homozygotes.

Submissions (4):

Ambry Genetics
Classification: Uncertain significance for Inborn genetic diseases. Last evaluated: 2025-08-10. Review status: criteria provided, single submitter. Criteria: Ambry Variant Classification Scheme 2023. Collection method: clinical testing. Allele origin: germline.

Fulgent Genetics
Classification: Uncertain significance for Bartter disease type 4A. Last evaluated: 2022-02-23. Review status: criteria provided, single submitter. Criteria: ACMG Guidelines, 2015. Collection method: clinical testing. Allele origin: unknown.

UNC Molecular Genetics  Laboratory, University of North Carolina at Chapel Hill
Classification: Uncertain significance for Bartter disease type 4A. Last evaluated: 2020-12-01. Review status: criteria provided, single submitter. Criteria: ACMG Guidelines, 2015. Collection method: research. Allele origin: germline. Affected: yes. Observed: 1 variant allele. Study: CSER_NCGENES.
Comment: The BSND c.64G>A (p.Gly22Ser) missense variant alters a single amino acid in exon 1 of 4 of the encoded protein . The p.Gly22Ser variant has not been previously reported in patients with Bartter syndrome in the scientific literature. This is a rare variant in the human population and is observed in the Genome Aggregation Database (gnomAD) with a minor allele frequency of 0.0008% (2/251,430 alleles) in all populations. Computational prediction tools and conservation analysis predict a deleterious impact to protein function. This variant is considered a variant of uncertain significance.

Laboratory of Dr. Barbara Vona, University Medical Center Göttingen
Classification: Uncertain significance for Bartter disease type 4A. Last evaluated: 2025-07-01. Review status: no assertion criteria provided. Collection method: clinical testing. Allele origin: germline. Affected: yes. Not counted in ClinVar's aggregate classification.

NM_057176.3(BSND):c.64G>A (p.Gly22Ser)

Gene: BSND (barttin CLCNK type accessory subunit beta; plus strand). Cytogenetic location: 1p32.3.
Variant type: single nucleotide variant.
Coding change: c.64G>A on transcript NM_057176.3 (MANE Select); coding-DNA position 64, G replaced by A.
Protein change: p.Gly22Ser; replaces glycine 22 with serine.
Molecular consequence: missense variant.
Genome position (GRCh38, 1-based): chr1:54,999,250, G>A. VCF-style: chr1-54999250-G-A. GRCh37 (hg19) VCF-style: chr1-55464923-G-A.
Other names: short protein forms G22S.
Identifiers: ClinVar variation 1064565 (VCV001064565.4), dbSNP rs145048739, ClinGen allele CA871202.